The following is an entry in ClinVar:

NM_001042472.3(ABHD12):c.-94C>T

Genes: ABHD12 (abhydrolase domain containing 12, lysophospholipase; minus strand), LOC130065586 (ATAC-STARR-seq lymphoblastoid silent region 12752; plus strand). Cytogenetic location: 20p11.21.
Variant type: single nucleotide variant.
Coding change: c.-94C>T on transcript NM_001042472.3 (MANE Select); 94 bases upstream of the start codon, C replaced by T.
Molecular consequence: 5 prime UTR variant.
Genome position (GRCh38, 1-based): chr20:25,390,797, G>A on the plus strand (C>T on the coding strand, the complement: ABHD12 is on the minus strand). VCF-style: chr20-25390797-G-A. GRCh37 (hg19) VCF-style: chr20-25371433-G-A.
Other names: c.-94C>T (NM_015600.5).
Identifiers: ClinVar variation 338002 (VCV000338002.7), dbSNP rs536190889, ClinGen allele CA10653029.
Genomic context (GRCh38, chr20:25,390,797, plus strand): 5'-CCGCTGGCCTGCGCCGCAGTGCCGCCGCTCACAGCCGCCGCCACCCAGAGCCCGGAGCCC[G>A]GAACCCGCCGCTCCTCACATCCCAGCCCAGGCCGCTGCGCCGGCTACGAACCAGCGGCGG-3'

ClinVar aggregate classification (germline): Benign. Review status: criteria provided, multiple submitters, no conflicts (2 of 4 stars). 3 submissions from 3 submitters: Benign (3). Last evaluated 2018-07-31.

Conditions:
PHARC syndrome. Also called: Polyneuropathy-hearing loss-ataxia-retinitis pigmentosa-cataract syndrome. Identifiers: Orphanet 171848, MedGen C2675204, MONDO:0012984, OMIM 612674.

Allele frequency attached by ClinVar (database versions not stated): gnomAD 0.02093 and 0.02252; TOPMed 0.02411; 1000 Genomes Project 0.02556; 1000 Genomes Project 30x 0.02717.
gnomAD v4.1: 4,454 of 854,606 alleles (0.52%); highest among the groups gnomAD compares: African/African-American, 7.2%; 157 homozygotes.

Submissions (3):

GeneDx
Classification: Benign. Last evaluated: 2018-07-31. Review status: criteria provided, single submitter. Criteria: GeneDx Variant Classification Process June 2021. Collection method: clinical testing. Allele origin: germline. Affected: yes.

Illumina Laboratory Services, Illumina
Classification: Benign for PHARC syndrome. Last evaluated: 2018-01-12. Review status: criteria provided, single submitter. Criteria: ICSL Variant Classification Criteria 13 December 2019. Collection method: clinical testing. Allele origin: germline.
Comment: This variant was observed in the ICSL laboratory as part of a predisposition screen in an ostensibly healthy population. It had not been previously curated by ICSL or reported in the Human Gene Mutation Database (HGMD: prior to June 1st, 2018), and was therefore a candidate for classification through an automated scoring system. Utilizing variant allele frequency, disease prevalence and penetrance estimates, and inheritance mode, an automated score was calculated to assess if this variant is too frequent to cause the disease. Based on the score and internal cut-off values, a variant classified as benign is not then subjected to further curation. The score for this variant resulted in a classification of benign for this disease.

Breakthrough Genomics
Classification: Benign. Review status: criteria provided, single submitter. Criteria: ACMG Guidelines, 2015. Collection method: not provided. Allele origin: germline. Inheritance: Autosomal recessive inheritance. Affected: yes.